The following is an entry in ClinVar:

ClinVar aggregate classification (germline): Uncertain significance. Review status: criteria provided, multiple submitters, no conflicts (2 of 4 stars). 3 submissions from 3 submitters: Uncertain significance (3). Last evaluated 2025-03-19.

Conditions:
Inborn genetic diseases. Identifiers: MedGen C0950123, MeSH D030342.

Allele frequency attached by ClinVar (database versions not stated): gnomAD 0.00002; TOPMed 0.00002.
gnomAD v4.1: 18 of 1,613,894 alleles (0.0011%); highest among the groups gnomAD compares: Non-Finnish European, 0.0015%; no homozygotes.

Submissions (3):

Labcorp Genetics (formerly Invitae), Labcorp
Classification: Uncertain significance. Last evaluated: 2025-03-19. Review status: criteria provided, single submitter. Criteria: Invitae Variant Classification Sherloc (09022015). Collection method: clinical testing. Allele origin: germline.
Comment: This sequence change replaces histidine, which is basic and polar, with tyrosine, which is neutral and polar, at codon 696 of the CACNA2D4 protein (p.His696Tyr). This variant is present in population databases (rs750059109, gnomAD 0.003%). This variant has not been reported in the literature in individuals affected with CACNA2D4-related conditions. ClinVar contains an entry for this variant (Variation ID: 1918126). An algorithm developed to predict the effect of missense changes on protein structure and function (PolyPhen-2) suggests that this variant is likely to be disruptive. In summary, the available evidence is currently insufficient to determine the role of this variant in disease. Therefore, it has been classified as a Variant of Uncertain Significance.

Ambry Genetics
Classification: Uncertain significance for Inborn genetic diseases. Last evaluated: 2024-08-20. Review status: criteria provided, single submitter. Criteria: Ambry Variant Classification Scheme 2023. Collection method: clinical testing. Allele origin: germline.

Blueprint Genetics
Classification: Uncertain significance. Last evaluated: 2022-09-09. Review status: criteria provided, single submitter. Criteria: ACMG Guidelines, 2015. Collection method: clinical testing. Allele origin: germline.

NM_172364.5(CACNA2D4):c.2086C>T (p.His696Tyr)

Gene: CACNA2D4 (calcium voltage-gated channel auxiliary subunit alpha2delta 4; minus strand). Cytogenetic location: 12p13.33.
Variant type: single nucleotide variant.
Coding change: c.2086C>T on transcript NM_172364.5 (MANE Select); coding-DNA position 2086, C replaced by T.
Protein change: p.His696Tyr; replaces histidine 696 with tyrosine.
Molecular consequence: missense variant.
Genome position (GRCh38, 1-based): chr12:1,856,078, G>A on the plus strand (C>T on the coding strand, the complement: CACNA2D4 is on the minus strand). VCF-style: chr12-1856078-G-A. GRCh37 (hg19) VCF-style: chr12-1965244-G-A.
Other names: c.2086C>T (NM_172364.4); short protein forms H696Y.
Identifiers: ClinVar variation 1918126 (VCV001918126.7), dbSNP rs750059109, ClinGen allele CA231533360.
Genomic context (GRCh38, chr12:1,856,078, plus strand): 5'-GGTCTGGGTCCTTCCTGGTGAGGAAGCGGATCATGGCCTCTAGCTGGCTGAGCTTCCGGT[G>A]GTCTGGGTCAATATCTGTGATGCAGTAGATCCTGAAACCCAGGAAAGTCAGTGTTATCTC-3'
Protein context (NP_758952.4, residues 686-706): IYCITDIDPD[His696Tyr]RKLSQLEAMI